The following is an entry in ClinVar:

ClinVar aggregate classification (germline): Uncertain significance (1 of 4 stars; one submission).

Conditions:
Congenital hyperammonemia, type I. Also called: CPS I DEFICIENCY; Carbamoyl phosphate synthetase 1 deficiency; Hyperammonemia due to carbamoyl phosphate synthetase 1 deficiency; CPS 1 deficiency; Carbamyl phosphate synthetase (CPS) deficiency; Carbamoyl-phosphate synthase I deficiency. Identifiers: Orphanet 147, MedGen C4082171, MONDO:0009376, OMIM 237300.

Submission:

Labcorp Genetics (formerly Invitae), Labcorp
Classification: Uncertain significance for Congenital hyperammonemia, type I. Last evaluated: 2024-10-06. Review status: criteria provided, single submitter. Criteria: Invitae Variant Classification Sherloc (09022015). Collection method: clinical testing. Allele origin: germline.
Comment: This sequence change replaces valine, which is neutral and non-polar, with alanine, which is neutral and non-polar, at codon 525 of the CPS1 protein (p.Val525Ala). This variant is not present in population databases (gnomAD no frequency). This variant has not been reported in the literature in individuals affected with CPS1-related conditions. Invitae Evidence Modeling of protein sequence and biophysical properties (such as structural, functional, and spatial information, amino acid conservation, physicochemical variation, residue mobility, and thermodynamic stability) indicates that this missense variant is not expected to disrupt CPS1 protein function with a negative predictive value of 95%. In summary, the available evidence is currently insufficient to determine the role of this variant in disease. Therefore, it has been classified as a Variant of Uncertain Significance.

NM_001875.5(CPS1):c.1574T>C (p.Val525Ala)

Gene: CPS1 (carbamoyl-phosphate synthase 1; plus strand). Cytogenetic location: 2q34.
Variant type: single nucleotide variant.
Coding change: c.1574T>C on transcript NM_001875.5 (MANE Select); coding-DNA position 1574, T replaced by C.
Protein change: p.Val525Ala; replaces valine 525 with alanine.
Molecular consequence: missense variant. On other transcripts: non-coding transcript variant (2).
Genome position (GRCh38, 1-based): chr2:210,600,579, T>C. VCF-style: chr2-210600579-T-C. GRCh37 (hg19) VCF-style: chr2-211465303-T-C.
Other names: c.1574T>C, p.Val525Ala (NM_001122633.3, NM_001369257.1); c.1607T>C, p.Val536Ala (NM_001369256.1); short protein forms V536A, V525A.
Identifiers: ClinVar variation 3634114 (VCV003634114.2).